The following is an entry in ClinVar:

NM_001386140.1(MTTP):c.820G>A (p.Ala274Thr)

Gene: MTTP (microsomal triglyceride transfer protein; plus strand). Cytogenetic location: 4q23.
Variant type: single nucleotide variant.
Coding change: c.820G>A on transcript NM_001386140.1 (MANE Select); coding-DNA position 820, G replaced by A.
Protein change: p.Ala274Thr; replaces alanine 274 with threonine.
Molecular consequence: missense variant.
Genome position (GRCh38, 1-based): chr4:99,594,794, G>A. VCF-style: chr4-99594794-G-A. GRCh37 (hg19) VCF-style: chr4-100515951-G-A.
Other names: c.820G>A, p.Ala274Thr (NM_000253.4); c.571G>A, p.Ala191Thr (NM_001300785.2); short protein forms A191T, A274T.
Identifiers: ClinVar variation 2151490 (VCV002151490.1), dbSNP rs746939133, ClinGen allele CA3021957.

ClinVar aggregate classification (germline): Uncertain significance (1 of 4 stars; one submission).

Allele frequency attached by ClinVar (database versions not stated): gnomAD 0.00001.
gnomAD v4.1: 12 of 1,613,984 alleles (0.00074%); highest among the groups gnomAD compares: East Asian, 0.0022%; no homozygotes.

Submission:

Labcorp Genetics (formerly Invitae), Labcorp
Classification: Uncertain significance. Last evaluated: 2022-08-19. Review status: criteria provided, single submitter. Criteria: Invitae Variant Classification Sherloc (09022015). Collection method: clinical testing. Allele origin: germline.
Comment: This sequence change replaces alanine, which is neutral and non-polar, with threonine, which is neutral and polar, at codon 274 of the MTTP protein (p.Ala274Thr). This variant is present in population databases (rs746939133, gnomAD 0.002%). This variant has not been reported in the literature in individuals affected with MTTP-related conditions. Algorithms developed to predict the effect of missense changes on protein structure and function output the following: SIFT: "Tolerated"; PolyPhen-2: "Benign"; Align-GVGD: "Class C0". The threonine amino acid residue is found in multiple mammalian species, which suggests that this missense change does not adversely affect protein function. In summary, the available evidence is currently insufficient to determine the role of this variant in disease. Therefore, it has been classified as a Variant of Uncertain Significance.